The following is an entry in ClinVar:

NM_017617.5(NOTCH1):c.5476G>A (p.Glu1826Lys)

Gene: NOTCH1 (notch receptor 1; minus strand). Cytogenetic location: 9q34.3.
Variant type: single nucleotide variant.
Coding change: c.5476G>A on transcript NM_017617.5 (MANE Select); coding-DNA position 5476, G replaced by A.
Protein change: p.Glu1826Lys; replaces glutamic acid 1826 with lysine.
Molecular consequence: missense variant.
Genome position (GRCh38, 1-based): chr9:136,501,910, C>T on the plus strand (G>A on the coding strand, the complement: NOTCH1 is on the minus strand). VCF-style: chr9-136501910-C-T. GRCh37 (hg19) VCF-style: chr9-139396362-C-T.
Other names: short protein forms E1826K.
Identifiers: ClinVar variation 969258 (VCV000969258.15), dbSNP rs374103443, ClinGen allele CA5340226.

ClinVar aggregate classification (germline): Conflicting classifications of pathogenicity. Review status: criteria provided, conflicting classifications (1 of 4 stars). 5 submissions from 4 submitters: Uncertain significance (4); Benign (1). Last evaluated 2025-11-24.

Conditions:
Familial thoracic aortic aneurysm and aortic dissection (TAAD). Also called: Thoracic aortic aneurysms and dissections. Identifiers: Orphanet 91387, MedGen C4707243, MONDO:0019625.
Aortic valve disease 1 (AOVD1). Identifiers: MedGen C3887892, MONDO:0024523, OMIM 109730.
Adams-Oliver syndrome 5 (AOS5). Identifiers: Orphanet 974, MedGen C4014970, MONDO:0014459, OMIM 616028.

Allele frequency attached by ClinVar (database versions not stated): gnomAD below 0.00001 and 0.00001; TOPMed 0.00001; ExAC 0.00003; gnomAD exomes 0.00003; ESP Exome Variant Server 0.00016.
gnomAD v4.1: 17 of 1,611,530 alleles (0.0011%); highest among the groups gnomAD compares: Middle Eastern, 0.016%; no homozygotes.

Submissions (5):

Labcorp Genetics (formerly Invitae), Labcorp
Classification: Benign for Adams-Oliver syndrome 5. Last evaluated: 2025-11-24. Review status: criteria provided, single submitter. Criteria: Invitae Variant Classification Sherloc (09022015). Collection method: clinical testing. Allele origin: germline.

Ambry Genetics
Classification: Uncertain significance for Familial thoracic aortic aneurysm and aortic dissection. Last evaluated: 2025-05-21. Review status: criteria provided, single submitter. Criteria: Ambry Variant Classification Scheme 2023. Collection method: clinical testing. Allele origin: germline.
Comment: The p.E1826K variant (also known as c.5476G>A), located in coding exon 30 of the NOTCH1 gene, results from a G to A substitution at nucleotide position 5476. The glutamic acid at codon 1826 is replaced by lysine, an amino acid with similar properties. This variant has been reported in a connective tissue disorders cohort (Renner S et al. Genet Med, 2019 Aug;21:1832-1841). This amino acid position is well conserved in available vertebrate species. In addition, the in silico prediction for this alteration is inconclusive. Based on the available evidence, the clinical significance of this variant remains unclear.

Genome-Nilou Lab
Classification: Uncertain significance for Adams-Oliver syndrome 5. Last evaluated: 2022-03-15. Review status: criteria provided, single submitter. Criteria: ACMG Guidelines, 2015. Collection method: clinical testing. Allele origin: germline. Affected: no.

Genome-Nilou Lab
Classification: Uncertain significance for Aortic valve disease 1. Last evaluated: 2022-03-15. Review status: criteria provided, single submitter. Criteria: ACMG Guidelines, 2015. Collection method: clinical testing. Allele origin: germline. Affected: no.

GeneDx
Classification: Uncertain significance. Last evaluated: 2021-06-08. Review status: criteria provided, single submitter. Criteria: GeneDx Variant Classification Process June 2021. Collection method: clinical testing. Allele origin: germline. Affected: yes.
Comment: Has not been previously published as pathogenic or benign to our knowledge; In silico analysis supports that this missense variant has a deleterious effect on protein structure/function; Reported in ClinVar as a variant of uncertain significance (ClinVar Variant ID# 969258; Landrum et al., 2016); This variant is associated with the following publications: (PMID: 27535533, 26582918)

Literature cited by the submitters: PubMed 30675029 (cited by Ambry Genetics).